The following is an entry in ClinVar:

ClinVar aggregate classification (germline): Uncertain significance. Review status: criteria provided, multiple submitters, no conflicts (2 of 4 stars). 3 submissions from 3 submitters: Uncertain significance (3). Last evaluated 2023-06-19.

Allele frequency attached by ClinVar (database versions not stated): gnomAD 0.00001; TOPMed 0.00002.
gnomAD v4.1: 17 of 1,613,994 alleles (0.0011%); highest among the groups gnomAD compares: Non-Finnish European, 0.0014%; no homozygotes.

Submissions (3):

Blueprint Genetics
Classification: Uncertain significance. Last evaluated: 2023-06-19. Review status: criteria provided, single submitter. Criteria: ACMG Guidelines, 2015. Collection method: clinical testing. Allele origin: germline.

Ambry Genetics
Classification: Uncertain significance. Last evaluated: 2023-01-25. Review status: criteria provided, single submitter. Criteria: Ambry Variant Classification Scheme 2023. Collection method: clinical testing. Allele origin: germline.

Labcorp Genetics (formerly Invitae), Labcorp
Classification: Uncertain significance. Last evaluated: 2021-09-24. Review status: criteria provided, single submitter. Criteria: Invitae Variant Classification Sherloc (09022015). Collection method: clinical testing. Allele origin: germline.
Comment: This sequence change replaces serine with arginine at codon 288 of the BACH2 protein (p.Ser288Arg). The serine residue is moderately conserved and there is a moderate physicochemical difference between serine and arginine. This variant is not present in population databases (ExAC no frequency). This variant has not been reported in the literature in individuals with BACH2-related conditions. Algorithms developed to predict the effect of missense changes on protein structure and function are either unavailable or do not agree on the potential impact of this missense change (SIFT: "Deleterious"; PolyPhen-2: "Benign"; Align-GVGD: "Class C0"). In summary, the available evidence is currently insufficient to determine the role of this variant in disease. Therefore, it has been classified as a Variant of Uncertain Significance.

NM_021813.4(BACH2):c.864C>G (p.Ser288Arg)

Gene: BACH2 (BACH transcriptional regulator 2; minus strand). Cytogenetic location: 6q15.
Variant type: single nucleotide variant.
Coding change: c.864C>G on transcript NM_021813.4 (MANE Select); coding-DNA position 864, C replaced by G.
Protein change: p.Ser288Arg; replaces serine 288 with arginine.
Molecular consequence: missense variant.
Genome position (GRCh38, 1-based): chr6:89,951,242, G>C on the plus strand (C>G on the coding strand, the complement: BACH2 is on the minus strand). VCF-style: chr6-89951242-G-C. GRCh37 (hg19) VCF-style: chr6-90660961-G-C.
Other names: c.864C>G, p.Ser288Arg (NM_001170794.2); c.864C>G (NM_021813.2); short protein forms S288R.
Identifiers: ClinVar variation 1429092 (VCV001429092.7), dbSNP rs1365628613, ClinGen allele CA365072057.